The following is an entry in ClinVar:

ClinVar aggregate classification (germline): Uncertain significance. Review status: criteria provided, multiple submitters, no conflicts (2 of 4 stars). 2 submissions from 2 submitters: Uncertain significance (2). Last evaluated 2023-11-27.

Submissions (2):

Labcorp Genetics (formerly Invitae), Labcorp
Classification: Uncertain significance. Last evaluated: 2023-11-27. Review status: criteria provided, single submitter. Criteria: Invitae Variant Classification Sherloc (09022015). Collection method: clinical testing. Allele origin: germline.
Comment: This sequence change replaces proline, which is neutral and non-polar, with threonine, which is neutral and polar, at codon 127 of the CLRN1 protein (p.Pro127Thr). This variant is present in population databases (no rsID available, gnomAD 0.003%). This variant has not been reported in the literature in individuals affected with CLRN1-related conditions. ClinVar contains an entry for this variant (Variation ID: 2157669). An algorithm developed to predict the effect of missense changes on protein structure and function (PolyPhen-2) suggests that this variant is likely to be disruptive. In summary, the available evidence is currently insufficient to determine the role of this variant in disease. Therefore, it has been classified as a Variant of Uncertain Significance.

GeneDx
Classification: Uncertain significance. Last evaluated: 2023-11-03. Review status: criteria provided, single submitter. Criteria: GeneDx Variant Classification Process June 2021. Collection method: clinical testing. Allele origin: germline. Affected: yes.
Comment: Not observed at significant frequency in large population cohorts (gnomAD); In silico analysis supports that this missense variant has a deleterious effect on protein structure/function; Has not been previously published as pathogenic or benign to our knowledge

NM_174878.3(CLRN1):c.379C>A (p.Pro127Thr)

Gene: CLRN1 (clarin 1; minus strand). Cytogenetic location: 3q25.1.
Variant type: single nucleotide variant.
Coding change: c.379C>A on transcript NM_174878.3 (MANE Select); coding-DNA position 379, C replaced by A.
Protein change: p.Pro127Thr; replaces proline 127 with threonine.
Molecular consequence: missense variant. On other transcripts: non-coding transcript variant (1).
Genome position (GRCh38, 1-based): chr3:150,941,636, G>T on the plus strand (C>A on the coding strand, the complement: CLRN1 is on the minus strand). VCF-style: chr3-150941636-G-T. GRCh37 (hg19) VCF-style: chr3-150659423-G-T.
Other names: c.379C>A, p.Pro127Thr (NM_001195794.1); c.551C>A, p.Thr184Asn (NM_001256819.2); c.151C>A, p.Pro51Thr (NM_052995.2); c.379C>A (NM_174878.2); short protein forms P127T, P51T, T184N.
Identifiers: ClinVar variation 2157669 (VCV002157669.3), dbSNP rs766352408, ClinGen allele CA85691617.